The following is an entry in ClinVar:

NM_001123385.2(BCOR):c.2041C>T (p.Pro681Ser)

Gene: BCOR (BCL6 corepressor; minus strand). Cytogenetic location: Xp11.4.
Variant type: single nucleotide variant.
Coding change: c.2041C>T on transcript NM_001123385.2 (MANE Select); coding-DNA position 2041, C replaced by T.
Protein change: p.Pro681Ser; replaces proline 681 with serine.
Molecular consequence: missense variant.
Genome position (GRCh38, 1-based): chrX:40,073,305, G>A on the plus strand (C>T on the coding strand, the complement: BCOR is on the minus strand). VCF-style: chrX-40073305-G-A. GRCh37 (hg19) VCF-style: chrX-39932558-G-A.
Other names: c.2041C>T, p.Pro681Ser (NM_001123383.2, NM_001123384.2, NM_001437510.1 and 4 more transcripts); short protein forms P681S.
Identifiers: ClinVar variation 5041629 (VCV005041629.1).

ClinVar aggregate classification (germline): Uncertain significance (1 of 4 stars; one submission).

Submission:

CeGaT Center for Human Genetics Tuebingen
Classification: Uncertain significance. Last evaluated: 2026-09-01. Review status: criteria provided, single submitter. Criteria: CeGaT Center For Human Genetics Tuebingen Variant Classification Criteria Version 2. Collection method: clinical testing. Allele origin: germline. Affected: yes. Observed: 1 variant allele.
Comment: BCOR: PM2